The following is an entry in ClinVar:

NM_000478.6(ALPL):c.620A>C (p.Gln207Pro)

Gene: ALPL (alkaline phosphatase, biomineralization associated; plus strand). Cytogenetic location: 1p36.12.
Variant type: single nucleotide variant.
Coding change: c.620A>C on transcript NM_000478.6 (MANE Select); coding-DNA position 620, A replaced by C.
Protein change: p.Gln207Pro; replaces glutamine 207 with proline.
Molecular consequence: missense variant.
Genome position (GRCh38, 1-based): chr1:21,564,188, A>C. VCF-style: chr1-21564188-A-C. GRCh37 (hg19) VCF-style: chr1-21890681-A-C.
Other names: Q190P; c.455A>C, p.Gln152Pro (NM_001127501.4); c.389A>C, p.Gln130Pro (NM_001177520.3); c.620A>C, p.Gln207Pro (NM_001369803.2, NM_001369804.2, NM_001369805.2); c.620A>C (NM_000478.5); short protein forms Q207P, Q130P, Q152P.
Identifiers: ClinVar variation 13666 (VCV000013666.18), dbSNP rs121918004, ClinGen allele CA256923.

ClinVar aggregate classification (germline): Pathogenic/Likely pathogenic. Review status: criteria provided, multiple submitters, no conflicts (2 of 4 stars). 8 submissions from 8 submitters: Pathogenic (3); Likely pathogenic (4). 1 of the submissions does not count toward it. Last evaluated 2026-09-01.

Conditions:
Hypophosphatasia. Also called: Phosphoethanol-aminuria. Identifiers: Orphanet 436, MedGen C0020630, MeSH D007014, MONDO:0018570.
Infantile hypophosphatasia. Identifiers: Orphanet 247651, Orphanet 436, MedGen C0268412, MONDO:1010169, OMIM 241500, MONDO:0009427.

gnomAD v4.1: 6 of 1,613,976 alleles (0.00037%); highest among the groups gnomAD compares: Non-Finnish European, 0.00051%; no homozygotes.

Submissions (8):

Genomenon, Inc
Classification: Pathogenic for Hypophosphatasia. Last evaluated: 2026-09-01. Review status: criteria provided, single submitter. Criteria: Genomenon Sequence Variant Interpretation Standards - Updated. Collection method: curation. Allele origin: germline. Affected: yes.
Comment: ALPL p.Gln207Pro (c.620A>C) is a missense variant that changes the amino acid at codon 207 from Glutamine to Proline. This variant has been observed in at least one proband affected with an ALPL-related disorder (PMID:37600704;1409720). At least one functional study has demonstrated a substantial alteration in protein function relative to the wild-type (PMID:41294821). It is absent or not present at a significant frequency in gnomAD. In silico models predict that this variant is possibly or probably damaging. In conclusion, we classify ALPL p.Gln207Pro (c.620A>C) as a pathogenic variant.

Myriad Genetics, Inc.
Classification: Likely pathogenic for Hypophosphatasia. Last evaluated: 2026-08-05. Review status: criteria provided, single submitter. Criteria: Myriad Autosomal Dominant, Autosomal Recessive and X-Linked Classification Criteria (2023). Collection method: clinical testing. Allele origin: unknown.
Comment: NM_000478.4(ALPL):c.620A>C(Q207P) is a missense variant classified as likely pathogenic in the context of hypophosphatasia. Q207P has been observed in cases with relevant disease (PMID: 1409720, 42297044, 37600704). Relevant functional assessments of this variant are available in the literature (PMID: 41294821). Q207P has not been observed in referenced population frequency databases. In summary, NM_000478.4(ALPL):c.620A>C(Q207P) is a missense variant that has functional support for pathogenicity and has been observed more frequently in cases with the relevant disease than in healthy populations. Please note: this variant was assessed in the context of healthy population screening.

Labcorp Genetics (formerly Invitae), Labcorp
Classification: Likely pathogenic. Last evaluated: 2025-12-26. Review status: criteria provided, single submitter. Criteria: Invitae Variant Classification Sherloc (09022015). Collection method: clinical testing. Allele origin: germline.
Comment: This sequence change replaces glutamine, which is neutral and polar, with proline, which is neutral and non-polar, at codon 207 of the ALPL protein (p.Gln207Pro). This variant is not present in population databases (gnomAD no frequency). This missense change has been observed in individual(s) with clinical features of hypophosphatasia (PMID: 1409720, 37600704; internal data). This variant is also known as p.Gln190Pro. ClinVar contains an entry for this variant (Variation ID: 13666). Invitae Evidence Modeling of protein sequence and biophysical properties (such as structural, functional, and spatial information, amino acid conservation, physicochemical variation, residue mobility, and thermodynamic stability) indicates that this missense variant is expected to disrupt ALPL protein function with a positive predictive value of 95%. This variant disrupts the p.Gln207 amino acid residue in ALPL. Other variant(s) that disrupt this residue have been observed in individuals with ALPL-related conditions (PMID: 32066479), which suggests that this may be a clinically significant amino acid residue. In summary, the currently available evidence indicates that the variant is pathogenic, but additional data are needed to prove that conclusively. Therefore, this variant has been classified as Likely Pathogenic.

Women's Health and Genetics/Laboratory Corporation of America, LabCorp
Classification: Likely pathogenic for Hypophosphatasia. Last evaluated: 2025-10-16. Review status: criteria provided, single submitter. Criteria: LabCorp Variant Classification Summary - May 2015. Collection method: clinical testing. Allele origin: germline.
Comment: Variant summary: ALPL c.620A>C (p.Gln207Pro) results in a non-conservative amino acid change in the encoded protein sequence. Algorithms developed to predict the effect of missense changes on protein structure and function all suggest that this variant is likely to be disruptive. The variant was absent in 251116 control chromosomes (gnomAD). c.620A>C has been observed in the heterozygous or presumed compound heterozygous state in at least 2 individuals affected with Hypophosphatasia (Henthorn_1992, Cinque_2023, internal data). These data indicate that the variant may be associated with disease. To our knowledge, no experimental evidence demonstrating an impact on protein function has been reported. The following publications have been ascertained in the context of this evaluation (PMID: 37600704, 8675582, 1409720). ClinVar contains an entry for this variant (Variation ID: 13666). Based on the evidence outlined above, the variant was classified as likely pathogenic.

Natera, Inc.
Classification: Likely pathogenic for Hypophosphatasia. Last evaluated: 2024-12-17. Review status: criteria provided, single submitter. Criteria: Natera Variant Classification Schema (03/2026). Collection method: clinical testing. Allele origin: germline.
Comment: The c.620A>C variant in ALPL is a missense variant predicted to cause substitution of glutamine to proline at amino acid 207. This variant is rare in the general population with a frequency below the threshold expected for the associated phenotype(s). This variant has been observed in one or more individuals affected with the associated recessive disease, as either homozygous or compound heterozygous with a second variant (PMID: 1409720, 37600704). This variant has been identified in one or more affected individuals with a phenotype highly consistent with the associated gene (PMID:1409720). Computational prediction algorithms indicate this variant is likely to affect gene or protein function. Given the available evidence, this variant is classified as Likely Pathogenic.

Center for Pediatric Genomic Medicine, Children's Mercy Hospital and Clinics
Classification: Pathogenic. Last evaluated: 2016-05-06. Review status: criteria provided, single submitter. Criteria: ACMG Guidelines, 2015. Collection method: clinical testing. Allele origin: germline.

Neuberg Centre For Genomic Medicine, NCGM
Classification: Pathogenic for Infantile hypophosphatasia. Review status: criteria provided, single submitter. Criteria: ACMG Guidelines, 2015. Collection method: clinical testing. Allele origin: germline. Affected: yes.
Comment: The missense variant p.Q207P in ALPL (NM_000478.6) ha been previously reported with autosomal recessive infantile hypophosphatasia (Henthron P et al). It has been submitted to ClinVar as Pathogenic. The p.Q207P variant is novel (not in any individuals) in gnomAD Exomes and is novel (not in any individuals) in 1000 Genomes. The p.Q207P missense variant is predicted to be damaging by both SIFT and PolyPhen2. The glutamine residue at codon 207 of ALPL is conserved in all mammalian species. The nucleotide c.620 in ALPL is predicted conserved by GERP++ and PhyloP across 100 vertebrates

OMIM
Classification: Pathogenic for HYPOPHOSPHATASIA, INFANTILE. Last evaluated: 1992-10-15. Review status: no assertion criteria provided. Collection method: literature only. Allele origin: germline. Not counted in ClinVar's aggregate classification.

Literature cited by the submitters: PubMed 37600704 (cited by 5 submitters); PubMed 1409720 (cited by 6 submitters); PubMed 41294821 (cited by Genomenon, Inc and Myriad Genetics, Inc.); PubMed 42297044 (cited by Myriad Genetics, Inc.); PubMed 32066479 (cited by Labcorp Genetics (formerly Invitae), Labcorp); PubMed 8675582 (cited by Women's Health and Genetics/Laboratory Corporation of America, LabCorp).